The following is an entry in ClinVar:

NM_001367624.2(ZNF469):c.9949G>C (p.Ala3317Pro)

Gene: ZNF469 (zinc finger protein 469; plus strand). Cytogenetic location: 16q24.2.
Variant type: single nucleotide variant.
Coding change: c.9949G>C on transcript NM_001367624.2 (MANE Select); coding-DNA position 9949, G replaced by C.
Protein change: p.Ala3317Pro; replaces alanine 3317 with proline.
Molecular consequence: missense variant.
Genome position (GRCh38, 1-based): chr16:88,437,419, G>C. VCF-style: chr16-88437419-G-C. GRCh37 (hg19) VCF-style: chr16-88503827-G-C.
Other names: NM_001127464.1:c.9865G>C; short protein forms A3317P.
Identifiers: ClinVar variation 1768434 (VCV001768434.2), dbSNP rs1431121592, ClinGen allele CA397125267.

ClinVar aggregate classification (germline): Uncertain significance (1 of 4 stars; one submission).

Conditions:
Cardiovascular phenotype. Identifiers: MedGen CN230736.

Submission:

Ambry Genetics
Classification: Uncertain significance for Cardiovascular phenotype. Last evaluated: 2022-08-07. Review status: criteria provided, single submitter. Criteria: Ambry Variant Classification Scheme 2023. Collection method: clinical testing. Allele origin: germline.
Comment: The p.A3289P variant (also known as c.9865G>C), located in coding exon 2 of the ZNF469 gene, results from a G to C substitution at nucleotide position 9865. The alanine at codon 3289 is replaced by proline, an amino acid with highly similar properties. This amino acid position is conserved. In addition, this alteration is predicted to be tolerated by in silico analysis. Since supporting evidence is limited at this time, the clinical significance of this alteration remains unclear.